The following is an entry in ClinVar:

ClinVar aggregate classification (germline): Uncertain significance. Review status: criteria provided, multiple submitters, no conflicts (2 of 4 stars). 2 submissions from 2 submitters: Uncertain significance (2). Last evaluated 2025-08-29.

Conditions:
SLC25A13-related disorder. Also called: SLC25A13-related condition.

Allele frequency attached by ClinVar (database versions not stated): gnomAD 0.00002; gnomAD exomes 0.00002; TOPMed 0.00003; ExAC 0.00002.
gnomAD v4.1: 29 of 1,614,016 alleles (0.0018%); highest among the groups gnomAD compares: Middle Eastern, 0.066%; no homozygotes.

Submissions (2):

PreventionGenetics, part of Exact Sciences
Classification: Uncertain significance for SLC25A13-related condition. Last evaluated: 2025-08-29. Review status: criteria provided, single submitter. Criteria: ACMG Guidelines, 2015. Collection method: clinical testing. Allele origin: germline.
Comment: The SLC25A13 c.1943C>T variant is predicted to result in the amino acid substitution p.Ala648Val. To our knowledge, this variant has not been reported in the literature. This variant is reported in 0.0056% of alleles in individuals of Latino descent in gnomAD. At this time, the clinical significance of this variant is uncertain due to the absence of conclusive functional and genetic evidence.

Eurofins Ntd Llc (ga)
Classification: Uncertain significance. Last evaluated: 2017-10-06. Review status: criteria provided, single submitter. Criteria: EGL Classification Definitions 2015. Collection method: clinical testing. Allele origin: germline. Observed: 1 variant allele, 1 heterozygote.

NM_014251.3(SLC25A13):c.1943C>T (p.Ala648Val)

Gene: SLC25A13 (solute carrier family 25 member 13; minus strand). Cytogenetic location: 7q21.3.
Variant type: single nucleotide variant.
Coding change: c.1943C>T on transcript NM_014251.3 (MANE Select); coding-DNA position 1943, C replaced by T.
Protein change: p.Ala648Val; replaces alanine 648 with valine.
Molecular consequence: missense variant. On other transcripts: non-coding transcript variant (1).
Genome position (GRCh38, 1-based): chr7:96,121,276, G>A on the plus strand (C>T on the coding strand, the complement: SLC25A13 is on the minus strand). VCF-style: chr7-96121276-G-A. GRCh37 (hg19) VCF-style: chr7-95750588-G-A.
Other names: c.1946C>T, p.Ala649Val (NM_001160210.2); c.1943C>T (NM_014251.2); short protein forms A648V, A649V.
Identifiers: ClinVar variation 594432 (VCV000594432.6), dbSNP rs768497028, ClinGen allele CA4352739.